The following is an entry in ClinVar:

ClinVar aggregate classification (germline): Uncertain significance. Review status: criteria provided, multiple submitters, no conflicts (2 of 4 stars). 2 submissions from 2 submitters: Uncertain significance (2). Last evaluated 2025-09-22.

Conditions:
Inborn genetic diseases. Identifiers: MedGen C0950123, MeSH D030342.
Methylcobalamin deficiency type cblG (HMAG). Also called: Functional methionine synthase deficiency type cblG; HOMOCYSTINURIA-MEGALOBLASTIC ANEMIA DUE TO DEFECT IN COBALAMIN METABOLISM, cblG COMPLEMENTATION TYPE; HOMOCYSTINURIA-MEGALOBLASTIC ANEMIA, cblG COMPLEMENTATION TYPE; HOMOCYSTINURIA-MEGALOBLASTIC ANEMIA, cblG TYPE. Identifiers: Orphanet 2170, Orphanet 622, MedGen C1855128, MONDO:0009609, OMIM 250940.

Allele frequency attached by ClinVar (database versions not stated): gnomAD 0.00001; gnomAD exomes 0.00001; ExAC 0.00002; TOPMed 0.00002.
gnomAD v4.1: 21 of 1,614,050 alleles (0.0013%); highest among the groups gnomAD compares: Middle Eastern, 0.033%; no homozygotes.

Submissions (2):

Ambry Genetics
Classification: Uncertain significance for Inborn genetic diseases. Last evaluated: 2025-09-22. Review status: criteria provided, single submitter. Criteria: Ambry Variant Classification Scheme 2023. Collection method: clinical testing. Allele origin: germline.

Labcorp Genetics (formerly Invitae), Labcorp
Classification: Uncertain significance for Methylcobalamin deficiency type cblG. Last evaluated: 2021-08-27. Review status: criteria provided, single submitter. Criteria: Invitae Variant Classification Sherloc (09022015). Collection method: clinical testing. Allele origin: germline.
Comment: This sequence change replaces arginine with tryptophan at codon 43 of the MTR protein (p.Arg43Trp). The arginine residue is weakly conserved and there is a moderate physicochemical difference between arginine and tryptophan. This variant is present in population databases (rs757720946, ExAC 0.009%). This variant has not been reported in the literature in individuals affected with MTR-related conditions. Algorithms developed to predict the effect of missense changes on protein structure and function are either unavailable or do not agree on the potential impact of this missense change (SIFT: "Deleterious"; PolyPhen-2: "Possibly Damaging"; Align-GVGD: "Class C0"). In summary, the available evidence is currently insufficient to determine the role of this variant in disease. Therefore, it has been classified as a Variant of Uncertain Significance.

NM_000254.3(MTR):c.127C>T (p.Arg43Trp)

Gene: MTR (5-methyltetrahydrofolate-homocysteine methyltransferase; plus strand). Cytogenetic location: 1q43.
Variant type: single nucleotide variant.
Coding change: c.127C>T on transcript NM_000254.3 (MANE Select); coding-DNA position 127, C replaced by T.
Protein change: p.Arg43Trp; replaces arginine 43 with tryptophan.
Molecular consequence: missense variant. On other transcripts: 5 prime UTR variant (1).
Genome position (GRCh38, 1-based): chr1:236,803,520, C>T. VCF-style: chr1-236803520-C-T. GRCh37 (hg19) VCF-style: chr1-236966820-C-T.
Other names: c.127C>T, p.Arg43Trp (NM_001291939.1); c.-982C>T (NM_001291940.2); short protein forms R43W.
Identifiers: ClinVar variation 949756 (VCV000949756.8), dbSNP rs757720946, ClinGen allele CA1473632.